The following continues an entry in ClinVar:

NM_000518.5(HBB):c.20A>T (p.Glu7Val)

ClinVar aggregate classification (germline): Pathogenic. Pathogenic (57).

Submissions 42 to 56 of 72:

Genetics and Genomic Medicine Centre, NeuroGen Healthcare, NeuroGen Healthcare
Classification: Pathogenic for Hereditary persistence of fetal hemoglobin. Last evaluated: 2020-01-11. Review status: criteria provided, single submitter. Criteria: Submitter's publication. Collection method: clinical testing. Allele origin: unknown. Affected: no.

Myriad Genetics, Inc.
Classification: Pathogenic for Beta-thalassemia HBB/LCRB. Last evaluated: 2019-10-18. Review status: criteria provided, single submitter. Criteria: Myriad Women's Health Autosomal Recessive and X-Linked Classification Criteria (2019). Collection method: clinical testing. Allele origin: unknown.
Comment: NM_000518.4(HBB):c.20A>T(E7V, aka Hb S) is classified as pathogenic and is associated with hemoglobin S (sickle cell disease). Sources cited for classification include the following: PMID 19061217, 2582106, 22028795, 22625666, 22010933, 2888754, 20954261, 6583683, 1376298. Classification of NM_000518.4(HBB):c.20A>T(E7V, aka Hb S) is based on the following criteria: This is a well-established pathogenic variant in the literature that has been observed more frequently in patients with clinical diagnoses than in healthy populations. Please note: this variant was assessed in the context of healthy population screening.â€šÃ„Ã¶âˆšÃ‘âˆšÂ£

Women's Health and Genetics/Laboratory Corporation of America, LabCorp
Classification: Pathogenic for Sickle cell disease and related diseases. Last evaluated: 2019-10-14. Review status: criteria provided, single submitter. Criteria: LabCorp Variant Classification Summary - May 2015. Collection method: clinical testing. Allele origin: germline.
Comment: Variant summary: HBB c.20A>T (p.Glu7Val) results in a non-conservative amino acid change located in the Globin domain (IPR000971) of the encoded protein sequence. Four of five in-silico tools predict a benign effect of the variant on protein function. The variant allele was found at a frequency of 0.0035 in 251180 control chromosomes in the gnomAD database, including 3 homozygotes. c.20A>T has been reported in the literature in multiple individuals affected with Sickle Cell Disease, an inherited monogenic disease characterized by intravascular sickling, haemolysis, anemia and leukocytosis as well as the association between sickled red blood cells and other blood components (example, Domingos_2014). These data indicate that the variant is very likely to be associated with disease. At least one publication reports experimental evidence evaluating an impact on protein function. The most pronounced variant effect results in decreased solubility of deoxygenated Hb S, and polymerization which leads to the formation of an extensive network of fibers in red blood cells (example, Adachi_1991). Eleven clinical diagnostic laboratories have submitted clinical-significance assessments for this variant to ClinVar after 2014 without evidence for independent evaluation. All laboratories classified the variant as pathogenic. Based on the evidence outlined above, the variant was classified as pathogenic.

Genetics and Molecular Pathology, SA Pathology
Classification: Pathogenic for Beta-thalassemia HBB/LCRB. Last evaluated: 2019-09-06. Review status: criteria provided, single submitter. Criteria: ACMG Guidelines, 2015. Collection method: clinical testing. Allele origin: germline. Affected: yes.

Victorian Clinical Genetics Services, Murdoch Childrens Research Institute
Classification: Pathogenic for beta Thalassemia. Last evaluated: 2019-08-28. Review status: criteria provided, single submitter. Criteria: ACMG Guidelines, 2015. Collection method: clinical testing. Allele origin: germline. Affected: no.
Comment: A heterozygous missense variant, NM_000518.5(HBB):c.20A>T, has been identified in exon 1 of 3 of the HBB gene. The variant is predicted to result in a major amino acid change from glutamic acid to valine at position 7 of the protein (NP_000509.1(HBB):p.(Glu7Val)). The glutamic acid at this position has low conservation (100 vertebrates, UCSC), and is located within the Hb-beta like functional domain. In silico predictions of pathogenicity for this variant are conflicting (Polyphen, SIFT, CADD, Mutation Taster). The variant is present in the gnomAD database at a frequency of 0.4% (1228 heterozygous, 4 homozygous). An alternative residue change has been reported in the gnomAD database at a frequency of 0.1%. The variant is the cause of hemoglobin S which results in sickle cell anemia and has been previously described as pathogenic and segregated with disease in multiple families (ClinVar; Kwiatkowski, D.P. 2005). Even though often fatal when homozygous or compound heterozygous, it is seen in high frequency (~10%) in populations in Sub-Saharan African and Middle East where it has been positively selected because it confers protection against malaria in heterozygous individuals, which are asymptomatic (Kwiatkowski, D.P. 2005). Additionally, functional studies showed that erythrocytes from transgenic mice expressing human HBB sickle readily on deoxygenation (Greaves, D.R. et al., 1990). A different variant in the same codon resulting in a change to lysine has been reported to cause a mild hemolytic anemia (ClinVar; Kwiatkowski, D.P. 2005). Based on the information available at the time of curation, this variant has been classified as PATHOGENIC.

Mendelics
Classification: Pathogenic for Beta-thalassemia HBB/LCRB. Last evaluated: 2019-05-28. Review status: criteria provided, single submitter. Criteria: Mendelics Assertion Criteria 2017. Collection method: clinical testing. Allele origin: unknown.

Institute for Genomic Medicine (IGM) Clinical Laboratory, Nationwide Children's Hospital
Classification: Pathogenic for Hb SS disease. Last evaluated: 2018-05-09. Review status: criteria provided, single submitter. Criteria: ACMG Guidelines, 2015. Collection method: clinical testing. Allele origin: germline. Affected: yes.
Comment: [ACMG/AMP: PS3, PM3, PM5, PS4_Moderate, PP5] This alteration is supported by well-established in vitro or in vivo functional studies to have a damaging effect on protein function or splicing [PS3], is detected in trans with a known pathogenic variant [PM3], is a novel missense change at an amino residue where a different missense change has been deemed to be pathogenic [PM5], has previously been observed in multiple unrelated patients with the same phenotype [PS4_Moderate], was reported as a pathogenic/likely pathogenic alteration by a reputable source (ClinVar or other correspondence from a clinical testing laboratory) [PP5].

HudsonAlpha Institute for Biotechnology
Classification: Pathogenic for Hb SS disease. Last evaluated: 2018-04-16. Review status: criteria provided, single submitter. Criteria: ACMG Guidelines, 2015. Collection method: research. Allele origin: unknown, paternal, maternal. Affected: yes. Observed: 9 variant alleles. Study: CSER-HudsonAlpha.

Clinical Genetics and Genomics, Karolinska University Hospital
Classification: Pathogenic. Last evaluated: 2016-03-02. Review status: criteria provided, single submitter. Criteria: ACMG Guidelines, 2015. Collection method: clinical testing. Allele origin: germline. Affected: yes. Observed: 32 variant alleles.

Eurofins Ntd Llc (ga)
Classification: Pathogenic. Last evaluated: 2014-12-19. Review status: criteria provided, single submitter. Criteria: EGL Classification Definitions 2015. Collection method: clinical testing. Allele origin: germline. Observed: 5 variant alleles, 5 heterozygotes.

Center for Pediatric Genomic Medicine, Children's Mercy Hospital and Clinics
Classification: Pathogenic. Last evaluated: 2014-09-15. Review status: criteria provided, single submitter. Criteria: ACMG Guidelines, 2015. Collection method: clinical testing. Allele origin: germline.

Institute for Medical Genetics and Human Genetics, Charité - Universitätsmedizin Berlin
Classification: Pathogenic. Review status: criteria provided, single submitter. Criteria: ACMG Guidelines, 2015. Collection method: not provided. Allele origin: germline. Affected: yes.

Kariminejad - Najmabadi Pathology & Genetics Center
Classification: Pathogenic for Hb SS disease. Review status: criteria provided, single submitter. Criteria: ACMG Guidelines, 2015. Collection method: clinical testing. Allele origin: germline. Affected: no.

Lifecell International Pvt. Ltd
Classification: Pathogenic for Hb SS disease. Review status: criteria provided, single submitter. Criteria: ACMG Guidelines, 2015. Collection method: clinical testing. Allele origin: germline. Inheritance: Autosomal recessive inheritance. Affected: yes. Observed: 1 compound heterozygote.
Comment: A Heterozygous Missense variant c.20A>T in Exon 1 of the HBB gene that results in the amino acid substitution p.Glu7Val was identified. The observed variant has a minor allele frequency of 0.00348% in gnomAD exomes and genomes, respectively. The severity of the impact of this variant on the protein is medium, based on the effect of the protein and REVEL score. Rare Exome Variant Ensemble Learner (REVEL) is an ensembl method for predicting the pathogenicity of missense variants based on a combination of scores from 13 individual tools: MutPred, FATHMM v2.3, VEST 3.0, PolyPhen-2, SIFT, PROVEAN, MutationAssessor, MutationTaster, LRT, GERP++, SiPhy, phyloP, and phastCons. The REVEL score for an individual missense variant can range from 0 to 1, with higher scores reflecting greater likelihood that the variant is disease-causing. ClinVar has also classified this variant as Pathogenic, Likely Benign, and Conflicting Interpretations (Variant ID: 15333). This variant has previously been reported for sickle cell anemia by Jaripour ME, et, al., 2018. Experimental studies have shown that this missense change affects HBB function by Eshbach ML, et, al, 2017. Based on the above evidence this variant has been classified as Pathogenic according to the ACMG guidelines.

Neuberg Centre For Genomic Medicine, NCGM
Classification: Pathogenic for Beta-thalassemia HBB/LCRB. Review status: criteria provided, single submitter. Criteria: ACMG Guidelines, 2015. Collection method: clinical testing. Allele origin: germline. Inheritance: Autosomal recessive inheritance. Affected: yes.
Comment: The missense c.20A>T (p.Glu7Val) variant in HBB gene has been reported previously in homozygous and compound heterozygous state in multiple individuals affected with HBB-related sickle cell anemia (Akinbami et al. 2016; Meher et al. 2016). Experimental studies have shown that this mutation (Glu7Val) in hemoglobin (Hb) causes red blood cells to assume a rigid curved shape that blocks their passage through the vasculature resulting in ischemia, severe pain, and necrosis (Eshbach et al. 2017). The p.Glu7Val variant has 0.4% allele frequency in gnomAD exomes database. This variant has been reported to the ClinVar database as Pathogenic (multiple submissions). The amino acid change p.Glu7Val in HBB is predicted as conserved by GERP++ and PhyloP across 100 vertebrates. The amino acid Glutamic acid at position 7 is changed to a Valine changing protein sequence and it might alter its composition and physico-chemical properties. For these reasons, this variant has been classified as Pathogenic.